The following is an entry in ClinVar:

NM_003737.4(DCHS1):c.4913G>T (p.Ser1638Ile)

Gene: DCHS1 (dachsous cadherin-related 1; minus strand). Cytogenetic location: 11p15.4.
Variant type: single nucleotide variant.
Coding change: c.4913G>T on transcript NM_003737.4 (MANE Select); coding-DNA position 4913, G replaced by T.
Protein change: p.Ser1638Ile; replaces serine 1638 with isoleucine.
Molecular consequence: missense variant.
Genome position (GRCh38, 1-based): chr11:6,629,794, C>A on the plus strand (G>T on the coding strand, the complement: DCHS1 is on the minus strand). VCF-style: chr11-6629794-C-A. GRCh37 (hg19) VCF-style: chr11-6651025-C-A.
Other names: c.4913G>T (NM_003737.2); short protein forms S1638I.
Identifiers: ClinVar variation 2083661 (VCV002083661.5), dbSNP rs746361167, ClinGen allele CA5860232.

ClinVar aggregate classification (germline): Uncertain significance. Review status: criteria provided, multiple submitters, no conflicts (2 of 4 stars). 2 submissions from 2 submitters: Uncertain significance (2). Last evaluated 2025-04-09.

Conditions:
Inborn genetic diseases. Identifiers: MedGen C0950123, MeSH D030342.

Allele frequency attached by ClinVar (database versions not stated): TOPMed 0.00002.
gnomAD v4.1: 5 of 1,613,586 alleles (0.00031%); highest among the groups gnomAD compares: Admixed American, 0.0083%; no homozygotes.

Submissions (2):

Ambry Genetics
Classification: Uncertain significance for Inborn genetic diseases. Last evaluated: 2025-04-09. Review status: criteria provided, single submitter. Criteria: Ambry Variant Classification Scheme 2023. Collection method: clinical testing. Allele origin: germline.

Labcorp Genetics (formerly Invitae), Labcorp
Classification: Uncertain significance. Last evaluated: 2022-03-01. Review status: criteria provided, single submitter. Criteria: Invitae Variant Classification Sherloc (09022015). Collection method: clinical testing. Allele origin: germline.
Comment: In summary, the available evidence is currently insufficient to determine the role of this variant in disease. Therefore, it has been classified as a Variant of Uncertain Significance. This sequence change replaces serine, which is neutral and polar, with isoleucine, which is neutral and non-polar, at codon 1638 of the DCHS1 protein (p.Ser1638Ile). This variant is present in population databases (rs746361167, gnomAD 0.01%). This variant has not been reported in the literature in individuals affected with DCHS1-related conditions. Advanced modeling of protein sequence and biophysical properties (such as structural, functional, and spatial information, amino acid conservation, physicochemical variation, residue mobility, and thermodynamic stability) performed at Invitae indicates that this missense variant is not expected to disrupt DCHS1 protein function.